The following is an entry in ClinVar:

NM_000051.4(ATM):c.67C>G (p.Arg23Gly)

Gene: ATM (ATM serine/threonine kinase; plus strand). Cytogenetic location: 11q22.3.
Variant type: single nucleotide variant.
Coding change: c.67C>G on transcript NM_000051.4 (MANE Select); coding-DNA position 67, C replaced by G.
Protein change: p.Arg23Gly; replaces arginine 23 with glycine.
Molecular consequence: missense variant.
Genome position (GRCh38, 1-based): chr11:108,227,691, C>G. VCF-style: chr11-108227691-C-G. GRCh37 (hg19) VCF-style: chr11-108098418-C-G.
Other names: c.67C>G, p.Arg23Gly (NM_001351834.2, NM_001351835.2, NM_001351836.2); short protein forms R23G.
Identifiers: ClinVar variation 489580 (VCV000489580.24), dbSNP rs746235533, ClinGen allele CA382519359.

ClinVar aggregate classification (germline): Uncertain significance. Review status: criteria provided, multiple submitters, no conflicts (2 of 4 stars). 6 submissions from 6 submitters: Uncertain significance (4). 2 of the submissions do not count toward it. Last evaluated 2024-10-02.

Conditions:
Hereditary cancer-predisposing syndrome. Also called: Tumor predisposition; Neoplastic Syndromes, Hereditary; Hereditary Cancer Syndrome; Hereditary neoplastic syndrome. Identifiers: Orphanet 140162, MedGen C0027672, MeSH D009386, MONDO:0015356.
Ataxia-telangiectasia syndrome (AT). Also called: Ataxia-telangiectasia; Ataxia-telangiectasia, complementation group D; AT, COMPLEMENTATION GROUP C; LOUIS-BAR SYNDROME; Cerebello-oculocutaneous telangiectasia; Immunodeficiency with ataxia telangiectasia. Identifiers: Orphanet 100, MedGen C0004135, MONDO:0008840, OMIM 208900.

Submissions (6):

Labcorp Genetics (formerly Invitae), Labcorp
Classification: Uncertain significance for Ataxia-telangiectasia syndrome. Last evaluated: 2024-10-02. Review status: criteria provided, single submitter. Criteria: Invitae Variant Classification Sherloc (09022015). Collection method: clinical testing. Allele origin: germline.
Comment: This sequence change replaces arginine, which is basic and polar, with glycine, which is neutral and non-polar, at codon 23 of the ATM protein (p.Arg23Gly). This variant is not present in population databases (gnomAD no frequency). This variant has not been reported in the literature in individuals affected with ATM-related conditions. ClinVar contains an entry for this variant (Variation ID: 489580). Invitae Evidence Modeling of protein sequence and biophysical properties (such as structural, functional, and spatial information, amino acid conservation, physicochemical variation, residue mobility, and thermodynamic stability) has been performed for this missense variant. However, the output from this modeling did not meet the statistical confidence thresholds required to predict the impact of this variant on ATM protein function. In summary, the available evidence is currently insufficient to determine the role of this variant in disease. Therefore, it has been classified as a Variant of Uncertain Significance.

Mayo Clinic Laboratories, Mayo Clinic
Classification: Uncertain significance. Last evaluated: 2021-02-04. Review status: criteria provided, single submitter. Criteria: ACMG Guidelines, 2015. Collection method: clinical testing. Allele origin: germline. Observed: 1 variant allele.

Ambry Genetics
Classification: Uncertain significance for Hereditary cancer-predisposing syndrome. Last evaluated: 2020-03-09. Review status: criteria provided, single submitter. Criteria: Ambry Variant Classification Scheme 2023. Collection method: clinical testing. Allele origin: germline.
Comment: The p.R23G variant (also known as c.67C>G), located in coding exon 1 of the ATM gene, results from a C to G substitution at nucleotide position 67. The arginine at codon 23 is replaced by glycine, an amino acid with dissimilar properties. This amino acid position is highly conserved in available vertebrate species. In addition, the in silico prediction for this alteration is inconclusive. Since supporting evidence is limited at this time, the clinical significance of this alteration remains unclear.

Color Diagnostics, LLC DBA Color Health
Classification: Uncertain significance for Hereditary cancer-predisposing syndrome. Last evaluated: 2019-10-17. Review status: criteria provided, single submitter. Criteria: ACMG Guidelines, 2015. Collection method: clinical testing. Allele origin: germline.
Comment: This missense variant replaces arginine with glycine at codon 23 of the ATM protein. Computational prediction is inconclusive regarding the impact of this variant on protein structure and function (internally defined REVEL score threshold 0.5 < inconclusive < 0.7, PMID: 27666373). Splice site prediction tools suggest that this variant may not impact RNA splicing. To our knowledge, functional studies have not been performed for this variant. This variant has not been reported in individuals affected with hereditary cancer in the literature. This variant has not been identified in the general population by the Genome Aggregation Database (gnomAD). The available evidence is insufficient to determine the role of this variant in disease conclusively. Therefore, this variant is classified as a Variant of Uncertain Significance.

Diagnostic Laboratory, Department of Genetics, University Medical Center Groningen
Classification: Uncertain significance. Review status: no assertion criteria provided. Collection method: clinical testing. Allele origin: germline. Affected: yes. Study: VKGL Data-share Consensus. Not counted in ClinVar's aggregate classification.

Joint Genome Diagnostic Labs from Nijmegen and Maastricht, Radboudumc and MUMC+
Classification: Uncertain significance. Review status: no assertion criteria provided. Collection method: clinical testing. Allele origin: germline. Affected: yes. Study: VKGL Data-share Consensus. Not counted in ClinVar's aggregate classification.